The following is an entry in ClinVar:

NM_000368.5(TSC1):c.2830G>C (p.Ala944Pro)

Gene: TSC1 (TSC complex subunit 1; minus strand). Cytogenetic location: 9q34.13.
Variant type: single nucleotide variant.
Coding change: c.2830G>C on transcript NM_000368.5 (MANE Select); coding-DNA position 2830, G replaced by C.
Protein change: p.Ala944Pro; replaces alanine 944 with proline.
Molecular consequence: missense variant. On other transcripts: non-coding transcript variant (5).
Genome position (GRCh38, 1-based): chr9:132,897,329, C>G on the plus strand (G>C on the coding strand, the complement: TSC1 is on the minus strand). VCF-style: chr9-132897329-C-G. GRCh37 (hg19) VCF-style: chr9-135772716-C-G.
Other names: c.2827G>C, p.Ala943Pro (NM_001162426.2, NM_001406597.1, NM_001406598.1 and 2 more transcripts); c.2677G>C, p.Ala893Pro (NM_001162427.2, NM_001406610.1); c.2467G>C, p.Ala823Pro (NM_001362177.2, NM_001406614.1, NM_001406615.1 and 4 more transcripts); c.2830G>C, p.Ala944Pro (NM_001406592.1, NM_001406593.1, NM_001406594.1 and 2 more transcripts); c.2815G>C, p.Ala939Pro (NM_001406601.1, NM_001406602.1); c.2812G>C, p.Ala938Pro (NM_001406603.1, NM_001406604.1); c.2788G>C, p.Ala930Pro (NM_001406605.1, NM_001406606.1, NM_001406607.1); c.2785G>C, p.Ala929Pro (NM_001406608.1, NM_001406609.1); and 8 more; short protein forms A593P, A626P, A627P, A808P, A809P, A822P, A823P, A878P.
Identifiers: ClinVar variation 3231308 (VCV003231308.1), dbSNP rs751362258, ClinGen allele CA375368919.

ClinVar aggregate classification (germline): Uncertain significance (1 of 4 stars; one submission).

Conditions:
Hereditary cancer-predisposing syndrome. Also called: Neoplastic Syndromes, Hereditary; Tumor predisposition; Hereditary neoplastic syndrome; Hereditary Cancer Syndrome. Identifiers: Orphanet 140162, MedGen C0027672, MeSH D009386, MONDO:0015356.

Submission:

Ambry Genetics
Classification: Uncertain significance for Hereditary cancer-predisposing syndrome. Last evaluated: 2024-02-01. Review status: criteria provided, single submitter. Criteria: Ambry Variant Classification Scheme 2023. Collection method: clinical testing. Allele origin: germline.
Comment: The p.A944P variant (also known as c.2830G>C), located in coding exon 20 of the TSC1 gene, results from a G to C substitution at nucleotide position 2830. The alanine at codon 944 is replaced by proline, an amino acid with highly similar properties. This amino acid position is conserved. In addition, the in silico prediction for this alteration is inconclusive. Based on the available evidence, the clinical significance of this alteration remains unclear.